The following is an entry in ClinVar:

NM_001165963.4(SCN1A):c.2402C>T (p.Thr801Ile)

Gene: SCN1A (sodium voltage-gated channel alpha subunit 1; minus strand). Cytogenetic location: 2q24.3.
Variant type: single nucleotide variant.
Coding change: c.2402C>T on transcript NM_001165963.4 (MANE Select); coding-DNA position 2402, C replaced by T.
Protein change: p.Thr801Ile; replaces threonine 801 with isoleucine.
Molecular consequence: missense variant. On other transcripts: 5 prime UTR variant (1), non-coding transcript variant (1).
Genome position (GRCh38, 1-based): chr2:166,041,244, G>A on the plus strand (C>T on the coding strand, the complement: SCN1A is on the minus strand). VCF-style: chr2-166041244-G-A. GRCh37 (hg19) VCF-style: chr2-166897754-G-A.
Other names: c.2318C>T, p.Thr773Ile (NM_001165964.3, NM_001353957.2, NM_001353958.2); c.2402C>T, p.Thr801Ile (NM_001202435.3, NM_001353948.2); c.2369C>T, p.Thr790Ile (NM_001353949.2, NM_001353950.2, NM_001353951.2 and 2 more transcripts); c.2366C>T, p.Thr789Ile (NM_001353954.2, NM_001353955.2); c.2315C>T, p.Thr772Ile (NM_001353960.2); c.-57C>T (NM_001353961.2); short protein forms T772I, T773I, T789I, T790I, T801I.
Identifiers: ClinVar variation 1312421 (VCV001312421.2), dbSNP rs2105827373, ClinGen allele CA349063718.
Genomic context (GRCh38, chr2:166,041,244, plus strand): 5'-AGCAGAAAATTTGAAGACTAAACACATTTACCTTCCAATATGCTTACCAAGTTTCCTACT[G>A]TAAGCACATTATTGAAATGGTCCGTCATTGGATAGTGCTCCATGGCCATGAAAAGAGTAT-3'
Protein context (NP_001159435.1, residues 791-811): PMTDHFNNVL[Thr801Ile]VGNLVFTGIF

ClinVar aggregate classification (germline): Uncertain significance (1 of 4 stars; one submission).

Submission:

GeneDx
Classification: Uncertain significance. Last evaluated: 2019-09-24. Review status: criteria provided, single submitter. Criteria: GeneDx Variant Classification Process June 2021. Collection method: clinical testing. Allele origin: germline. Affected: yes.
Comment: Not observed in large population cohorts (Lek et al., 2016); The majority of missense variants in this gene are considered pathogenic (Stenson et al., 2014); In silico analysis, which includes protein predictors and evolutionary conservation, supports a deleterious effect; This substitution is predicted to be within the transmembrane segment S2 of the second homologous domain; Has not been previously published as pathogenic or benign to our knowledge